The following is an entry in ClinVar:

ClinVar aggregate classification (germline): Uncertain significance. Review status: criteria provided, multiple submitters, no conflicts (2 of 4 stars). 6 submissions from 6 submitters: Uncertain significance (6). Last evaluated 2026-08-11.

Conditions:
Osteogenesis imperfecta type I (OI1). Also called: Lobstein's Disease; Osteogenesis imperfecta type 1; OI, TYPE I; OSTEOGENESIS IMPERFECTA TARDA; OSTEOGENESIS IMPERFECTA WITH BLUE SCLERAE; Classic Non-deforming Osteogenesis Imperfecta with Blue Sclerae. Identifiers: Orphanet 216796, Orphanet 666, MedGen C0023931, MONDO:0008146, OMIM 166200. Disease mechanism: loss of function.
Cardiovascular phenotype. Identifiers: MedGen CN230736.

Submissions (6):

GeneDx
Classification: Uncertain significance. Last evaluated: 2026-08-11. Review status: criteria provided, single submitter. Criteria: GeneDx Variant Classification Process June 2021. Collection method: clinical testing. Allele origin: germline.
Comment: Has not been previously published as pathogenic or benign to our knowledge; In-frame deletion of 6 amino acids in a non-repeat region; In silico analysis suggests that this variant does not alter protein structure/function

Labcorp Genetics (formerly Invitae), Labcorp
Classification: Uncertain significance for Osteogenesis imperfecta type I. Last evaluated: 2025-10-10. Review status: criteria provided, single submitter. Criteria: Invitae Variant Classification Sherloc (09022015). Collection method: clinical testing. Allele origin: germline.
Comment: This variant, c.441_458del, results in the deletion of 6 amino acid(s) of the COL1A1 protein (p.Pro149_Gly154del), but otherwise preserves the integrity of the reading frame. This variant is present in population databases (no rsID available, gnomAD 0.07%), and has an allele count higher than expected for a pathogenic variant. This variant has not been reported in the literature in individuals affected with COL1A1-related conditions. ClinVar contains an entry for this variant (Variation ID: 645037). Experimental studies and prediction algorithms are not available or were not evaluated, and the functional significance of this variant is currently unknown. In summary, the available evidence is currently insufficient to determine the role of this variant in disease. Therefore, it has been classified as a Variant of Uncertain Significance.

Mayo Clinic Laboratories, Mayo Clinic
Classification: Uncertain significance. Last evaluated: 2025-03-31. Review status: criteria provided, single submitter. Criteria: ACMG Guidelines, 2015. Collection method: clinical testing. Allele origin: germline. Observed: 1 variant allele.
Comment: BS1, BP3

Revvity Omics, Revvity
Classification: Uncertain significance. Last evaluated: 2024-03-11. Review status: criteria provided, single submitter. Criteria: ACMG Guidelines, 2015. Collection method: clinical testing. Allele origin: germline.

Ambry Genetics
Classification: Uncertain significance for Cardiovascular phenotype. Last evaluated: 2023-12-05. Review status: criteria provided, single submitter. Criteria: Ambry Variant Classification Scheme 2023. Collection method: clinical testing. Allele origin: germline.
Comment: The c.441_458del18 variant (also known as p.P149_G154del) is located in coding exon 5 of the COL1A1 gene. This variant results from an in-frame CGGACCTCCCGGACCCCC deletion at nucleotide positions 441 to 458. This results in the in-frame deletion of six amino acids (PPGPPG) at codons 149 to 154. This amino acid region is highly conserved in available vertebrate species. In addition, this alteration is predicted to be deleterious by in silico analysis (Choi Y et al. PLoS ONE. 2012; 7(10):e46688). Since supporting evidence is limited at this time, the clinical significance of this alteration remains unclear.

Blueprint Genetics
Classification: Uncertain significance. Last evaluated: 2022-11-09. Review status: criteria provided, single submitter. Criteria: ACMG Guidelines, 2015. Collection method: clinical testing. Allele origin: germline.

NM_000088.4(COL1A1):c.441_458del (p.143PPG[2])

Gene: COL1A1 (collagen type I alpha 1 chain; minus strand). Cytogenetic location: 17q21.33.
Variant type: Deletion.
Coding change: c.441_458del on transcript NM_000088.4 (MANE Select); coding-DNA positions 441 to 458, 18 bases deleted (CGGACCTCCCGGACCCCC).
Protein change: p.143PPG[2].
Molecular consequence: inframe deletion.
Genome position (GRCh38, 1-based): chr17:50,199,239-50,199,256, GGGGGTCCGGGAGGTCCG deleted on the plus strand (CGGACCTCCCGGACCCCC on the coding strand, the reverse complement: COL1A1 is on the minus strand); deleting any 18 consecutive bases within chr17:50,199,239-50,199,267 gives the same sequence; the c. name uses the placement nearest the transcript's 3' end. VCF-style (leftmost placement, unchanged base first): chr17-50199238-AGGGGGTCCGGGAGGTCCG-A. GRCh37 (hg19) VCF-style: chr17-48276599-AGGGGGTCCGGGAGGTCCG-A.
Other names: p.Pro149_Gly154del; c.441_458del (NM_000088.3); c.441_458delCGGACCTCCCGGACCCCC (NM_000088.3); c.441_458del18 (NM_000088.3).
Identifiers: ClinVar variation 645037 (VCV000645037.15), dbSNP rs1315804923, ClinGen allele CA500852144.